The following is an entry in ClinVar:

ClinVar aggregate classification (germline): Likely benign (1 of 4 stars; one submission).

Allele frequency attached by ClinVar (database versions not stated): ExAC 0.00004; gnomAD exomes 0.00013; gnomAD 0.00005; TOPMed 0.00006; ESP Exome Variant Server 0.00015.
gnomAD v4.1: 189 of 1,613,888 alleles (0.012%); highest among the groups gnomAD compares: Non-Finnish European, 0.016%; no homozygotes.

Submission:

CeGaT Center for Human Genetics Tuebingen
Classification: Likely benign. Last evaluated: 2023-02-01. Review status: criteria provided, single submitter. Criteria: CeGaT Center For Human Genetics Tuebingen Variant Classification Criteria Version 2. Collection method: clinical testing. Allele origin: germline. Affected: yes. Observed: 1 variant allele.
Comment: RRN3: BP4, BP7

NM_018427.5(RRN3):c.1854C>T (p.Thr618=)

Genes: PDXDC1 (pyridoxal dependent decarboxylase domain containing 1), RRN3 (RNA polymerase I transcription factor RRN3). Cytogenetic location: 16p13.11.
Variant type: single nucleotide variant.
Coding change: c.1854C>T on transcript NM_018427.5 (MANE Select); coding-DNA position 1854, C replaced by T.
Protein change: p.Thr618=; no amino-acid change (threonine 618 retained).
Molecular consequence: synonymous variant. On other transcripts: intron variant (3).
Genome position (GRCh38, 1-based): chr16:15,061,846, G>A on the plus strand (C>T on the coding strand, the complement: RRN3 is on the minus strand). VCF-style: chr16-15061846-G-A. GRCh37 (hg19) VCF-style: chr16-15155703-G-A.
Other names: c.1764C>T, p.Thr588= (NM_001301064.1); c.1399+31790G>A (NM_001285449.2); c.1318+31790G>A (NM_001324021.2); c.1396+31790G>A (NM_001324020.2).
Identifiers: ClinVar variation 2646248 (VCV002646248.22), dbSNP rs373853014, ClinGen allele CA7916148.